The following is an entry in ClinVar:

NM_000548.5(TSC2):c.188A>T (p.Gln63Leu)

Gene: TSC2 (TSC complex subunit 2; plus strand). Cytogenetic location: 16p13.3.
Variant type: single nucleotide variant.
Coding change: c.188A>T on transcript NM_000548.5 (MANE Select); coding-DNA position 188, A replaced by T.
Protein change: p.Gln63Leu; replaces glutamine 63 with leucine.
Molecular consequence: missense variant. On other transcripts: 5 prime UTR variant (1).
Genome position (GRCh38, 1-based): chr16:2,050,449, A>T. VCF-style: chr16-2050449-A-T. GRCh37 (hg19) VCF-style: chr16-2100450-A-T.
Other names: c.188A>T, p.Gln63Leu (NM_001077183.3, NM_001114382.3, NM_001318827.2 and 4 more transcripts); c.41A>T, p.Gln14Leu (NM_001318829.2); c.-39A>T (NM_001318831.2); c.221A>T, p.Gln74Leu (NM_001318832.2); short protein forms Q14L, Q74L, Q63L.
Identifiers: ClinVar variation 1490442 (VCV001490442.8), dbSNP rs2150996390, ClinGen allele CA394303433.

ClinVar aggregate classification (germline): Uncertain significance (1 of 4 stars; one submission).

Conditions:
Tuberous sclerosis 2 (TSC2). Identifiers: Orphanet 805, MedGen C1860707, MONDO:0013199, OMIM 613254.

Submission:

Labcorp Genetics (formerly Invitae), Labcorp
Classification: Uncertain significance for Tuberous sclerosis 2. Last evaluated: 2023-05-05. Review status: criteria provided, single submitter. Criteria: Invitae Variant Classification Sherloc (09022015). Collection method: clinical testing. Allele origin: germline.
Comment: This sequence change replaces glutamine, which is neutral and polar, with leucine, which is neutral and non-polar, at codon 63 of the TSC2 protein (p.Gln63Leu). In summary, the available evidence is currently insufficient to determine the role of this variant in disease. Therefore, it has been classified as a Variant of Uncertain Significance. Advanced modeling of protein sequence and biophysical properties (such as structural, functional, and spatial information, amino acid conservation, physicochemical variation, residue mobility, and thermodynamic stability) performed at Invitae indicates that this missense variant is not expected to disrupt TSC2 protein function. ClinVar contains an entry for this variant (Variation ID: 1490442). This variant has not been reported in the literature in individuals affected with TSC2-related conditions. This variant is not present in population databases (gnomAD no frequency).